The following is an entry in ClinVar:

ClinVar aggregate classification (germline): Likely benign (0 of 4 stars; one submission).

Conditions:
ACTN1-related disorder. Also called: ACTN1-related condition.

Allele frequency attached by ClinVar (database versions not stated): ExAC 0.00001; gnomAD 0.00001; gnomAD exomes 0.00001; TOPMed 0.00003.
gnomAD v4.1: 15 of 1,613,984 alleles (0.00093%); highest among the groups gnomAD compares: Admixed American, 0.02%; no homozygotes.

Submission:

PreventionGenetics, part of Exact Sciences
Classification: Likely benign for ACTN1-related condition. Last evaluated: 2019-04-30. Review status: no assertion criteria provided. Collection method: clinical testing. Allele origin: germline.
Comment: This variant is classified as likely benign based on ACMG/AMP sequence variant interpretation guidelines (Richards et al. 2015 PMID: 25741868, with internal and published modifications).

NM_001130004.2(ACTN1):c.1206G>A (p.Lys402=)

Gene: ACTN1 (actinin alpha 1; minus strand). Cytogenetic location: 14q24.1.
Variant type: single nucleotide variant.
Coding change: c.1206G>A on transcript NM_001130004.2 (MANE Select); coding-DNA position 1206, G replaced by A.
Protein change: p.Lys402=; no amino-acid change (lysine 402 retained).
Molecular consequence: synonymous variant.
Genome position (GRCh38, 1-based): chr14:68,890,167, C>T on the plus strand (G>A on the coding strand, the complement: ACTN1 is on the minus strand). VCF-style: chr14-68890167-C-T. GRCh37 (hg19) VCF-style: chr14-69356884-C-T.
Other names: c.1206G>A, p.Lys402= (NM_001102.4, NM_001130005.2, NM_001411035.1 and 9 more transcripts); c.1011G>A, p.Lys337= (NM_001411036.1, NM_001424026.1, NM_001424028.1); c.1332G>A, p.Lys444= (NM_001424013.1); c.1293G>A, p.Lys431= (NM_001424015.1); c.1203G>A, p.Lys401= (NM_001424017.1); c.1143G>A, p.Lys381= (NM_001424018.1, NM_001424020.1, NM_001424022.1); c.1137G>A, p.Lys379= (NM_001424021.1); c.381G>A, p.Lys127= (NM_001424030.1).
Identifiers: ClinVar variation 3061023 (VCV003061023.2), dbSNP rs757425056, ClinGen allele CA7242446.